The following is an entry in ClinVar:

ClinVar aggregate classification (germline): Benign/Likely benign. Review status: criteria provided, multiple submitters, no conflicts (2 of 4 stars). 8 submissions from 8 submitters: Benign (1); Likely benign (7). Last evaluated 2026-05-27.

Conditions:
MYBPC3-related disorder. Also called: MYBPC3-related disorders; MYBPC3-related condition; MYBPC3-related disease.
Cardiovascular phenotype. Identifiers: MedGen CN230736.
Cardiomyopathy (CMYO). Also called: Cardiomyopathies. Identifiers: Orphanet 167848, MedGen C0878544, MONDO:0004994, HP:0001638. Inheritance: Various modes of inheritance.
Hypertrophic cardiomyopathy. Also called: HYPERTROPHIC MYOCARDIOPATHY. Identifiers: Orphanet 217569, MedGen C0007194, MeSH D002312, MONDO:0005045, HP:0001639.

Allele frequency attached by ClinVar (database versions not stated): gnomAD exomes 0.00007 and 0.00008; gnomAD 0.00009; TOPMed 0.00010; ExAC 0.00019.
gnomAD v4.1: 114 of 1,583,432 alleles (0.0072%); highest among the groups gnomAD compares: Middle Eastern, 0.033%; no homozygotes.

Submissions (8):

PreventionGenetics, part of Exact Sciences
Classification: Likely benign for MYBPC3-related condition. Last evaluated: 2026-05-27. Review status: criteria provided, single submitter. Criteria: ACMG Guidelines, 2015. Collection method: clinical testing. Allele origin: germline.
Comment: This variant is classified as likely benign based on ACMG/AMP sequence variant interpretation guidelines (Richards et al. 2015 PMID: 25741868, with internal and published modifications).

Molecular Diagnostic Laboratory for Inherited Cardiovascular Disease, Montreal Heart Institute
Classification: Likely benign. Last evaluated: 2026-03-27. Review status: criteria provided, single submitter. Criteria: ACMG Guidelines, 2015. Collection method: clinical testing. Allele origin: germline. Affected: no.
Comment: BS1;BP7

Labcorp Genetics (formerly Invitae), Labcorp
Classification: Likely benign for Hypertrophic cardiomyopathy. Last evaluated: 2026-01-10. Review status: criteria provided, single submitter. Criteria: Invitae Variant Classification Sherloc (09022015). Collection method: clinical testing. Allele origin: germline.

CeGaT Center for Human Genetics Tuebingen
Classification: Likely benign. Last evaluated: 2024-04-01. Review status: criteria provided, single submitter. Criteria: CeGaT Center For Human Genetics Tuebingen Variant Classification Criteria Version 2. Collection method: clinical testing. Allele origin: germline. Affected: yes. Observed: 3 variant alleles.
Comment: MYBPC3: BP4, BP7

All of Us Research Program, National Institutes of Health
Classification: Likely benign for Hypertrophic cardiomyopathy. Last evaluated: 2024-01-11. Review status: criteria provided, single submitter. Criteria: ACMG Guidelines, 2015. Collection method: clinical testing. Allele origin: germline. Inheritance: Autosomal dominant inheritance. Observed: 21 variant alleles, 21 heterozygotes.
Comment: This study involves interpretation of variants in research participants for the purpose of population health screening. Participant phenotype was not available at the time of variant classification. Additional details can be found in publication PMID: 35346344, PMCID: PMC8962531

Color Diagnostics, LLC DBA Color Health
Classification: Likely benign for Cardiomyopathy. Last evaluated: 2019-03-11. Review status: criteria provided, single submitter. Criteria: ACMG Guidelines, 2015. Collection method: clinical testing. Allele origin: germline.

Ambry Genetics
Classification: Likely benign for Cardiovascular phenotype. Last evaluated: 2018-05-11. Review status: criteria provided, single submitter. Criteria: Ambry Variant Classification Scheme 2023. Collection method: clinical testing. Allele origin: germline.

GeneDx
Classification: Benign. Last evaluated: 2016-09-15. Review status: criteria provided, single submitter. Criteria: GeneDx Variant Classification (06012015). Collection method: clinical testing. Allele origin: germline. Affected: yes.
Comment: This variant is considered likely benign or benign based on one or more of the following criteria: it is a conservative change, it occurs at a poorly conserved position in the protein, it is predicted to be benign by multiple in silico algorithms, and/or has population frequency not consistent with disease.

NM_000256.3(MYBPC3):c.2961C>T (p.Val987=)

Gene: MYBPC3 (myosin binding protein C3; minus strand). Cytogenetic location: 11p11.2.
Variant type: single nucleotide variant.
Coding change: c.2961C>T on transcript NM_000256.3 (MANE Select); coding-DNA position 2961, C replaced by T.
Protein change: p.Val987=; no amino-acid change (valine 987 retained).
Molecular consequence: synonymous variant.
Genome position (GRCh38, 1-based): chr11:47,333,955, G>A on the plus strand (C>T on the coding strand, the complement: MYBPC3 is on the minus strand). VCF-style: chr11-47333955-G-A. GRCh37 (hg19) VCF-style: chr11-47355506-G-A.
Other names: c.2961C>T, p.Val987= (LRG_386t1).
Identifiers: ClinVar variation 263598 (VCV000263598.53), dbSNP rs761700877, ClinGen allele CA079049.